The following is an entry in ClinVar:

NM_005612.5(REST):c.2209A>T (p.Met737Leu)

Gene: REST (RE1 silencing transcription factor; plus strand). Cytogenetic location: 4q12.
Variant type: single nucleotide variant.
Coding change: c.2209A>T on transcript NM_005612.5 (MANE Select); coding-DNA position 2209, A replaced by T.
Protein change: p.Met737Leu; replaces methionine 737 with leucine.
Molecular consequence: missense variant.
Genome position (GRCh38, 1-based): chr4:56,931,067, A>T. VCF-style: chr4-56931067-A-T. GRCh37 (hg19) VCF-style: chr4-57797233-A-T.
Other names: c.2209A>T, p.Met737Leu (NM_001193508.2, NM_001363453.3); short protein forms M737L.
Identifiers: ClinVar variation 3153122 (VCV003153122.3), dbSNP rs2475852242, ClinGen allele CA357008310.

ClinVar aggregate classification (germline): Uncertain significance. Review status: criteria provided, multiple submitters, no conflicts (2 of 4 stars). 2 submissions from 2 submitters: Uncertain significance (2). Last evaluated 2024-10-08.

Conditions:
Inborn genetic diseases. Identifiers: MedGen C0950123, MeSH D030342.

Allele frequency attached by ClinVar (database versions not stated): gnomAD exomes below 0.00001.
gnomAD v4.1: 1 of 1,386,124 alleles (0.000072%); highest among the groups gnomAD compares: Non-Finnish European, 0.0001%; no homozygotes.

Submissions (2):

Labcorp Genetics (formerly Invitae), Labcorp
Classification: Uncertain significance. Last evaluated: 2024-10-08. Review status: criteria provided, single submitter. Criteria: Invitae Variant Classification Sherloc (09022015). Collection method: clinical testing. Allele origin: germline.
Comment: This sequence change replaces methionine, which is neutral and non-polar, with leucine, which is neutral and non-polar, at codon 737 of the REST protein (p.Met737Leu). This variant is not present in population databases (gnomAD no frequency). This variant has not been reported in the literature in individuals affected with REST-related conditions. An algorithm developed to predict the effect of missense changes on protein structure and function (PolyPhen-2) suggests that this variant is likely to be tolerated. In summary, the available evidence is currently insufficient to determine the role of this variant in disease. Therefore, it has been classified as a Variant of Uncertain Significance.

Ambry Genetics
Classification: Uncertain significance for Inborn genetic diseases. Last evaluated: 2024-01-04. Review status: criteria provided, single submitter. Criteria: Ambry Variant Classification Scheme 2023. Collection method: clinical testing. Allele origin: germline.